The following is an entry in ClinVar:

NM_019026.6(TMCO1):c.260G>C (p.Arg87Pro)

Gene: TMCO1 (transmembrane and coiled-coil domains 1; minus strand). Cytogenetic location: 1q24.1.
Variant type: single nucleotide variant.
Coding change: c.260G>C on transcript NM_019026.6 (MANE Select); coding-DNA position 260, G replaced by C.
Protein change: p.Arg87Pro; replaces arginine 87 with proline.
Molecular consequence: missense variant. On other transcripts: non-coding transcript variant (1).
Genome position (GRCh38, 1-based): chr1:165,752,165, C>G on the plus strand (G>C on the coding strand, the complement: TMCO1 is on the minus strand). VCF-style: chr1-165752165-C-G. GRCh37 (hg19) VCF-style: chr1-165721402-C-G.
Other names: c.311G>C, p.Arg104Pro (NM_001256164.1); c.224G>C, p.Arg75Pro (NM_001256165.1); short protein forms R75P, R87P, R104P.
Identifiers: ClinVar variation 1979746 (VCV001979746.4), dbSNP rs763875549, ClinGen allele CA343430012.
Genomic context (GRCh38, chr1:165,752,165, plus strand): 5'-GAATTGAACATTCCCATTAGGGCAGTAAAACAAAAGCCAATAGCAAACATGGATTTCATT[C>G]GAACCTGTAATGAGACGAACAAATTGTCATTTTACACTAAAAAAAAACACATCTAAAGCA-3'
Protein context (NP_061899.3, residues 77-97): KNNNRDLSMV[Arg87Pro]MKSMFAIGFC

ClinVar aggregate classification (germline): Uncertain significance (1 of 4 stars; one submission).

gnomAD v4.1: 1 of 1,611,890 alleles (0.000062%); no homozygotes.

Submission:

Labcorp Genetics (formerly Invitae), Labcorp
Classification: Uncertain significance. Last evaluated: 2022-07-07. Review status: criteria provided, single submitter. Criteria: Invitae Variant Classification Sherloc (09022015). Collection method: clinical testing. Allele origin: germline.
Comment: In summary, the available evidence is currently insufficient to determine the role of this variant in disease. Therefore, it has been classified as a Variant of Uncertain Significance. Algorithms developed to predict the effect of missense changes on protein structure and function are either unavailable or do not agree on the potential impact of this missense change (SIFT: "Deleterious"; PolyPhen-2: "Possibly Damaging"; Align-GVGD: "Class C0"). This variant has not been reported in the literature in individuals affected with TMCO1-related conditions. This variant is not present in population databases (gnomAD no frequency). This sequence change replaces arginine, which is basic and polar, with proline, which is neutral and non-polar, at codon 138 of the TMCO1 protein (p.Arg138Pro).